The following is an entry in ClinVar:

NM_006371.5(CRTAP):c.371A>G (p.Gln124Arg)

Gene: CRTAP (cartilage associated protein; plus strand). Cytogenetic location: 3p22.3.
Variant type: single nucleotide variant.
Coding change: c.371A>G on transcript NM_006371.5 (MANE Select); coding-DNA position 371, A replaced by G.
Protein change: p.Gln124Arg; replaces glutamine 124 with arginine.
Molecular consequence: missense variant.
Genome position (GRCh38, 1-based): chr3:33,114,448, A>G. VCF-style: chr3-33114448-A-G. GRCh37 (hg19) VCF-style: chr3-33155940-A-G.
Other names: short protein forms Q124R.
Identifiers: ClinVar variation 963497 (VCV000963497.6), dbSNP rs752605909, ClinGen allele CA352008715.

ClinVar aggregate classification (germline): Uncertain significance (1 of 4 stars; one submission).

Conditions:
Osteogenesis imperfecta type 7 (OI7). Also called: Osteogenesis imperfecta type 2B; OI type 2B; Osteogenesis imperfecta, perinatal lethal autosomal recessive; OI type IIB; OSTEOGENESIS IMPERFECTA, TYPE IIB; OI type 7. Identifiers: MedGen C1853162, MONDO:0012536, OMIM 610682.

Allele frequency attached by ClinVar (database versions not stated): gnomAD exomes below 0.00001 and 0.00001.
gnomAD v4.1: 1 of 1,578,762 alleles (0.000063%); highest among the groups gnomAD compares: Non-Finnish European, 0.000086%; no homozygotes.

Submission:

Labcorp Genetics (formerly Invitae), Labcorp
Classification: Uncertain significance for Osteogenesis imperfecta type 7. Last evaluated: 2019-11-01. Review status: criteria provided, single submitter. Criteria: Invitae Variant Classification Sherloc (09022015). Collection method: clinical testing. Allele origin: germline.
Comment: The frequency data for this variant in the population databases is considered unreliable, as metrics indicate insufficient coverage at this position in the ExAC database. This sequence change replaces glutamine with arginine at codon 124 of the CRTAP protein (p.Gln124Arg). The glutamine residue is highly conserved and there is a small physicochemical difference between glutamine and arginine. This variant has not been reported in the literature in individuals with CRTAP-related conditions. Algorithms developed to predict the effect of missense changes on protein structure and function (SIFT, PolyPhen-2, Align-GVGD) all suggest that this variant is likely to be tolerated, but these predictions have not been confirmed by published functional studies and their clinical significance is uncertain. In summary, the available evidence is currently insufficient to determine the role of this variant in disease. Therefore, it has been classified as a Variant of Uncertain Significance.